The following is an entry in ClinVar:

ClinVar aggregate classification (germline): Uncertain significance (1 of 4 stars; one submission).

Submission:

GeneDx
Classification: Uncertain significance. Last evaluated: 2019-08-14. Review status: criteria provided, single submitter. Criteria: GeneDx Variant Classification Process June 2021. Collection method: clinical testing. Allele origin: germline. Affected: yes.
Comment: Not observed in large population cohorts (Lek et al., 2016); In silico analysis, which includes protein predictors and evolutionary conservation, supports that this variant does not alter protein structure/function; Has not been previously published as pathogenic or benign to our knowledge

NM_001008537.3(NEXMIF):c.1112T>A (p.Ile371Asn)

Gene: NEXMIF (neurite extension and migration factor; minus strand). Cytogenetic location: Xq13.3.
Variant type: single nucleotide variant.
Coding change: c.1112T>A on transcript NM_001008537.3 (MANE Select); coding-DNA position 1112, T replaced by A.
Protein change: p.Ile371Asn; replaces isoleucine 371 with asparagine.
Molecular consequence: missense variant.
Genome position (GRCh38, 1-based): chrX:74,743,445, A>T on the plus strand (T>A on the coding strand, the complement: NEXMIF is on the minus strand). VCF-style: chrX-74743445-A-T. GRCh37 (hg19) VCF-style: chrX-73963280-A-T.
Other names: short protein forms I371N.
Identifiers: ClinVar variation 1304863 (VCV001304863.2), dbSNP rs2147441217, ClinGen allele CA413671427.